The following is an entry in ClinVar:

NM_002617.4(PEX10):c.205C>T (p.Leu69=)

Gene: PEX10 (peroxisomal biogenesis factor 10; minus strand). Cytogenetic location: 1p36.32.
Variant type: single nucleotide variant.
Coding change: c.205C>T on transcript NM_002617.4 (MANE Select); coding-DNA position 205, C replaced by T.
Protein change: p.Leu69=; no amino-acid change (leucine 69 retained).
Molecular consequence: synonymous variant. On other transcripts: 5 prime UTR variant (2), non-coding transcript variant (1).
Genome position (GRCh38, 1-based): chr1:2,408,847, G>A on the plus strand (C>T on the coding strand, the complement: PEX10 is on the minus strand). VCF-style: chr1-2408847-G-A. GRCh37 (hg19) VCF-style: chr1-2340286-G-A.
Other names: c.205C>T (NM_153818.1); c.205C>T, p.Leu69= (NM_001374425.1, NM_153818.2); c.-228C>T (NM_001374426.1, NM_001374427.1).
Identifiers: ClinVar variation 1113573 (VCV001113573.9), dbSNP rs1449501202, ClinGen allele CA415776162.

ClinVar aggregate classification (germline): Likely benign. Review status: criteria provided, single submitter (1 of 4 stars). 2 submissions from 2 submitters: Likely benign (1). 1 of the submissions does not count toward it. Last evaluated 2026-01-19.

Conditions:
Peroxisome biogenesis disorder, complementation group 7 (CG7). Also called: Peroxisome biogenesis disorder, complementation group B. Identifiers: MedGen C1864399.
PEX10-related disorder. Also called: PEX10-related condition.

Allele frequency attached by ClinVar (database versions not stated): gnomAD 0.00001; TOPMed 0.00001.

Submissions (2):

Labcorp Genetics (formerly Invitae), Labcorp
Classification: Likely benign for Peroxisome biogenesis disorder, complementation group 7. Last evaluated: 2026-01-19. Review status: criteria provided, single submitter. Criteria: Invitae Variant Classification Sherloc (09022015). Collection method: clinical testing. Allele origin: germline.

PreventionGenetics, part of Exact Sciences
Classification: Likely benign for PEX10-related condition. Last evaluated: 2023-03-22. Review status: no assertion criteria provided. Collection method: clinical testing. Allele origin: germline. Not counted in ClinVar's aggregate classification.
Comment: This variant is classified as likely benign based on ACMG/AMP sequence variant interpretation guidelines (Richards et al. 2015 PMID: 25741868, with internal and published modifications).